The following is an entry in ClinVar:

NM_025114.4(CEP290):c.2569A>T (p.Lys857Ter)

Gene: CEP290 (centrosomal protein 290; minus strand). Cytogenetic location: 12q21.32.
Variant type: single nucleotide variant.
Coding change: c.2569A>T on transcript NM_025114.4 (MANE Select); coding-DNA position 2569, A replaced by T.
Protein change: p.Lys857Ter; replaces lysine 857 with a stop codon.
Molecular consequence: nonsense.
Genome position (GRCh38, 1-based): chr12:88,107,013, T>A on the plus strand (A>T on the coding strand, the complement: CEP290 is on the minus strand). VCF-style: chr12-88107013-T-A. GRCh37 (hg19) VCF-style: chr12-88500790-T-A.
Other names: short protein forms K857*.
Identifiers: ClinVar variation 2680639 (VCV002680639.8), dbSNP rs1168542133, ClinGen allele CA385971769.
Genomic context (GRCh38, chr12:88,107,013, plus strand): 5'-TTTGTACAATATTGCATACTAATGTTAAAAATGTTTTACTTACATTATATTCTTTTACTT[T>A]TATAGCATCTTGTTGGACTTGATCCTCAAGTTTTCTCTTTTCCTCTTTTATTGTTTTAGA-3'

ClinVar aggregate classification (germline): Pathogenic. Review status: criteria provided, multiple submitters, no conflicts (2 of 4 stars). 5 submissions from 5 submitters: Pathogenic (5). Last evaluated 2024-08-25.

Conditions:
Bardet-Biedl syndrome 14 (BBS14). Identifiers: Orphanet 110, MedGen C2673874, MONDO:0014442, OMIM 615991.
CEP290-related ciliopathy. Also called: CEP290 ciliopathy. Identifiers: MedGen CN305601, MONDO:0100451.
Joubert syndrome 5 (JBTS5). Identifiers: Orphanet 2318, MedGen C1857780, MONDO:0012432, OMIM 610188.
Leber congenital amaurosis 10 (LCA10). Identifiers: Orphanet 65, MedGen C1857821, MONDO:0012723, OMIM 611755.
Meckel syndrome, type 4 (MKS4). Also called: MECKEL-GRUBER SYNDROME, TYPE 4. Identifiers: Orphanet 564, MedGen C1970161, MONDO:0012626, OMIM 611134.
Senior-Loken syndrome 6 (SLSN6). Identifiers: Orphanet 3156, MedGen C1857779, MONDO:0012433, OMIM 610189.
Joubert syndrome. Also called: JOUBERT-BOLTSHAUSER SYNDROME; Familial aplasia of the vermis. Identifiers: Orphanet 475, MedGen C5979921, MONDO:0018772.
Nephronophthisis. Also called: Juvenile Nephronophthisis. Identifiers: Orphanet 655, MedGen C0687120, MONDO:0019005, HP:0000090.
Meckel-Gruber syndrome. Also called: DYSENCEPHALIA SPLANCHNOCYSTICA; GRUBER SYNDROME; Dysencephalia splachnocystica. Identifiers: Orphanet 564, MedGen C0265215, MONDO:0018921.

Allele frequency attached by ClinVar (database versions not stated): gnomAD 0.00001; TOPMed 0.00001.
gnomAD v4.1: 2 of 1,549,214 alleles (0.00013%); highest among the groups gnomAD compares: East Asian, 0.0047%; no homozygotes.

Submissions (5):

Myriad Genetics, Inc.
Classification: Pathogenic for CEP290-related ciliopathy. Last evaluated: 2024-08-25. Review status: criteria provided, single submitter. Criteria: Myriad Autosomal Dominant, Autosomal Recessive and X-Linked Classification Criteria (2023). Collection method: clinical testing. Allele origin: unknown.
Comment: NM_025114.3(CEP290):c.2569A>T(K857*) is expected to be pathogenic in the context of CEP290-related disorders. This variant is predicted to lead to an abnormal or absent protein product due to the creation of a premature termination codon in CEP290, a gene where loss-of-function variants are known to be pathogenic. Please note: this variant was assessed in the context of healthy population screening.

Fulgent Genetics
Classification: Pathogenic for Joubert syndrome 5; Senior-Loken syndrome 6; Meckel syndrome, type 4; Leber congenital amaurosis 10; Bardet-Biedl syndrome 14. Last evaluated: 2024-02-05. Review status: criteria provided, single submitter. Criteria: ACMG Guidelines, 2015. Collection method: clinical testing. Allele origin: germline.

Labcorp Genetics (formerly Invitae), Labcorp
Classification: Pathogenic for Joubert syndrome; Meckel-Gruber syndrome; Nephronophthisis. Last evaluated: 2023-05-09. Review status: criteria provided, single submitter. Criteria: Invitae Variant Classification Sherloc (09022015). Collection method: clinical testing. Allele origin: germline.
Comment: This sequence change creates a premature translational stop signal (p.Lys857*) in the CEP290 gene. It is expected to result in an absent or disrupted protein product. Loss-of-function variants in CEP290 are known to be pathogenic (PMID: 16909394, 17345604, 20690115). For these reasons, this variant has been classified as Pathogenic. This premature translational stop signal has been observed in individual(s) with Leber congenital amaurosis (PMID: 27422788). This variant is present in population databases (no rsID available, gnomAD 0.009%).

Baylor Genetics
Classification: Pathogenic for Bardet-Biedl syndrome 14. Last evaluated: 2023-01-15. Review status: criteria provided, single submitter. Criteria: ACMG Guidelines, 2015. Collection method: clinical testing. Allele origin: unknown.

Juno Genomics, Hangzhou Juno Genomics, Inc
Classification: Pathogenic for Bardet-Biedl syndrome 14; Joubert syndrome 5; Leber congenital amaurosis 10; Meckel syndrome, type 4; Senior-Loken syndrome 6. Review status: criteria provided, single submitter. Criteria: ACMG Guidelines, 2015. Collection method: clinical testing. Allele origin: germline.
Comment: Absent from controls (or at extremely low frequency if recessive) in Genome Aggregation Database.;Null variant in a gene where loss of function (LOF) is a known mechanism of disease.;For recessive disorders, detected in trans with a pathogenic variant.;Patient's phenotype or family history is highly specific for a disease with a single genetic etiology.

Literature cited by the submitters: PubMed 16909394 (cited by Labcorp Genetics (formerly Invitae), Labcorp); PubMed 17345604 (cited by Labcorp Genetics (formerly Invitae), Labcorp); PubMed 20690115 (cited by Labcorp Genetics (formerly Invitae), Labcorp); PubMed 27422788 (cited by Labcorp Genetics (formerly Invitae), Labcorp).